The following is an entry in ClinVar:

ClinVar aggregate classification (germline): Uncertain significance. Review status: criteria provided, multiple submitters, no conflicts (2 of 4 stars). 3 submissions from 3 submitters: Uncertain significance (3). Last evaluated 2025-12-30.

Conditions:
Cardiomyopathy (CMYO). Also called: Cardiomyopathies. Identifiers: Orphanet 167848, MedGen C0878544, MONDO:0004994, HP:0001638. Inheritance: Various modes of inheritance.
Catecholaminergic polymorphic ventricular tachycardia 1. Also called: VENTRICULAR TACHYCARDIA, CATECHOLAMINERGIC POLYMORPHIC, 1, WITH OR WITHOUT ATRIAL DYSFUNCTION AND/OR DILATED CARDIOMYOPATHY; VENTRICULAR TACHYCARDIA, STRESS-INDUCED POLYMORPHIC 1; RYR2-Related Catecholaminergic Polymorphic Ventricular Tachycardia. Identifiers: Orphanet 3286, MedGen C1631597, MONDO:0011484, OMIM 604772.
Catecholaminergic polymorphic ventricular tachycardia (CVPT). Also called: Catecholamine-induced polymorphic ventricular tachycardia. Identifiers: Orphanet 3286, MedGen C5574922, MONDO:0017990.

Allele frequency attached by ClinVar (database versions not stated): ExAC 0.00001; gnomAD 0.00001 and 0.00002; gnomAD exomes 0.00001 and 0.00002; 1000 Genomes Project 0.00020; 1000 Genomes Project 30x 0.00031.
gnomAD v4.1: 15 of 1,612,700 alleles (0.00093%); highest among the groups gnomAD compares: Admixed American, 0.0084%; no homozygotes.

Submissions (3):

Labcorp Genetics (formerly Invitae), Labcorp
Classification: Uncertain significance for Catecholaminergic polymorphic ventricular tachycardia 1. Last evaluated: 2025-12-30. Review status: criteria provided, single submitter. Criteria: Invitae Variant Classification Sherloc (09022015). Collection method: clinical testing. Allele origin: germline.
Comment: This sequence change replaces arginine, which is basic and polar, with cysteine, which is neutral and slightly polar, at codon 1585 of the RYR2 protein (p.Arg1585Cys). This variant is present in population databases (rs528206995, gnomAD 0.009%). This variant has not been reported in the literature in individuals affected with RYR2-related conditions. ClinVar contains an entry for this variant (Variation ID: 857058). Invitae Evidence Modeling of protein sequence and biophysical properties (such as structural, functional, and spatial information, amino acid conservation, physicochemical variation, residue mobility, and thermodynamic stability) indicates that this missense variant is expected to disrupt RYR2 protein function with a positive predictive value of 95%. In summary, the available evidence is currently insufficient to determine the role of this variant in disease. Therefore, it has been classified as a Variant of Uncertain Significance.

All of Us Research Program, National Institutes of Health
Classification: Uncertain significance for Catecholaminergic polymorphic ventricular tachycardia. Last evaluated: 2023-12-18. Review status: criteria provided, single submitter. Criteria: ACMG Guidelines, 2015. Collection method: clinical testing. Allele origin: germline. Inheritance: Autosomal dominant inheritance. Observed: 1 variant allele, 1 heterozygote.
Comment: This missense variant replaces arginine with cysteine at codon 1585 of the RYR2 protein. Computational prediction suggests that this variant may have deleterious impact on protein structure and function (internally defined REVEL score threshold >= 0.7, PMID: 27666373). To our knowledge, functional studies have not been reported for this variant. This variant has not been reported in individuals affected with cardiovascular disorders in the literature. This variant has been identified in 4/246796 chromosomes in the general population by the Genome Aggregation Database (gnomAD). The available evidence is insufficient to determine the role of this variant in disease conclusively. Therefore, this variant is classified as a Variant of Uncertain Significance.

This study involves interpretation of variants in research participants for the purpose of population health screening. Participant phenotype was not available at the time of variant classification. Additional details can be found in publication PMID: 35346344, PMCID: PMC8962531

Color Diagnostics, LLC DBA Color Health
Classification: Uncertain significance for Cardiomyopathy. Last evaluated: 2023-11-10. Review status: criteria provided, single submitter. Criteria: ACMG Guidelines, 2015. Collection method: clinical testing. Allele origin: germline.
Comment: This missense variant replaces arginine with cysteine at codon 1585 of the RYR2 protein. Computational prediction suggests that this variant may have deleterious impact on protein structure and function (internally defined REVEL score threshold >= 0.7, PMID: 27666373). To our knowledge, functional studies have not been reported for this variant. This variant has not been reported in individuals affected with RYR2-related disorders in the literature. This variant has been identified in 4/246796 chromosomes in the general population by the Genome Aggregation Database (gnomAD). The available evidence is insufficient to determine the role of this variant in disease conclusively. Therefore, this variant is classified as a Variant of Uncertain Significance.

NM_001035.3(RYR2):c.4753C>T (p.Arg1585Cys)

Gene: RYR2 (ryanodine receptor 2; plus strand). Cytogenetic location: 1q43.
Variant type: single nucleotide variant.
Coding change: c.4753C>T on transcript NM_001035.3 (MANE Select); coding-DNA position 4753, C replaced by T.
Protein change: p.Arg1585Cys; replaces arginine 1585 with cysteine.
Molecular consequence: missense variant.
Genome position (GRCh38, 1-based): chr1:237,610,831, C>T. VCF-style: chr1-237610831-C-T. GRCh37 (hg19) VCF-style: chr1-237774131-C-T.
Other names: short protein forms R1585C.
Identifiers: ClinVar variation 857058 (VCV000857058.13), dbSNP rs528206995, ClinGen allele CA086729.
Genomic context (GRCh38, chr1:237,610,831, plus strand): 5'-CCTCTCTCGGCGGGATTATTCAAGAGTGAGCACAAGAACCCCGTGCCGCAGTGCCCCCCG[C>T]GCCTCCACGTGCAGTTCCTGTCACACGTCCTGTGGAGCAGAATGCCCAACCAGTTTTTGA-3'
Protein context (NP_001026.2, residues 1575-1595): HKNPVPQCPP[Arg1585Cys]LHVQFLSHVL